The following is an entry in ClinVar:

NM_001365536.1(SCN9A):c.1266A>G (p.Glu422=)

Genes: SCN1A-AS1 (SCN1A and SCN9A antisense RNA 1; plus strand), SCN9A (sodium voltage-gated channel alpha subunit 9; minus strand). Cytogenetic location: 2q24.3.
Variant type: single nucleotide variant.
Coding change: c.1266A>G on transcript NM_001365536.1 (MANE Select); coding-DNA position 1266, A replaced by G.
Protein change: p.Glu422=; no amino-acid change (glutamic acid 422 retained).
Molecular consequence: synonymous variant.
Genome position (GRCh38, 1-based): chr2:166,288,485, T>C on the plus strand (A>G on the coding strand, the complement: SCN9A is on the minus strand). VCF-style: chr2-166288485-T-C. GRCh37 (hg19) VCF-style: chr2-167144995-T-C.
Other names: p.Glu422=; c.1266A>G, p.Glu422= (NM_002977.4).
Identifiers: ClinVar variation 130256 (VCV000130256.31), dbSNP rs13402180, ClinGen allele CA155107.
Genomic context (GRCh38, chr2:166,288,485, plus strand): 5'-AAATAACAGTACCTCAGCTTCTTCTTGCTCTTTTTTAAGACGGTCTAACATCTGTTGAAA[T>C]TCTAATTCTTTCTGTTTAGCTTCTTCAATGTTTGCCTGGTTCTGTTCTTCATATGCCATG-3'
Protein context (NP_001352465.1, residues 412-432): NIEEAKQKEL[Glu422=]FQQMLDRLKK

ClinVar aggregate classification (germline): Benign/Likely benign. Review status: criteria provided, multiple submitters, no conflicts (2 of 4 stars). 17 submissions from 13 submitters: Benign (14); Likely benign (1). 2 of the submissions do not count toward it. Last evaluated 2026-02-04.

Conditions:
Paroxysmal extreme pain disorder (PEXPD). Also called: SCN9A Paroxysmal Extreme Pain Disorder (SCN9A-PEPD); PAIN, SUBMANDIBULAR, OCULAR, AND RECTAL, WITH FLUSHING; RECTAL PAIN, FAMILIAL. Identifiers: Orphanet 46348, MedGen C1833661, MONDO:0008179, OMIM 167400.
Channelopathy-associated congenital insensitivity to pain, autosomal recessive. Also called: Insensitivity to pain, channelopathy-associated; ASYMBOLIA FOR PAIN; CONGENITAL ANALGESIA, AUTOSOMAL RECESSIVE. Identifiers: Orphanet 88642, Orphanet 970, MedGen C1855739, MONDO:0009459, OMIM 243000.
Primary erythromelalgia. Also called: SCN9A Erythromelalgia (SCN9A-EM); primary erythermalgia. Identifiers: Orphanet 306577, Orphanet 90026, MedGen C0014805, MONDO:0007571, OMIM 133020.
Neuropathy, hereditary sensory and autonomic, type 2A (HSAN2A). Also called: WNK1-Related HSAN2 (HSAN2A); HSAN IIA; MORVAN DISEASE; NEUROPATHY, CONGENITAL SENSORY; NEUROPATHY, HEREDITARY SENSORY RADICULAR, AUTOSOMAL RECESSIVE; NEUROPATHY, HEREDITARY SENSORY, TYPE IIA. Identifiers: Orphanet 970, MedGen C2752089, MONDO:0024309, OMIM 201300.
Generalized epilepsy with febrile seizures plus, type 7 (GEFSP7). Also called: GEFS+, TYPE 7. Identifiers: Orphanet 36387, MedGen C2751778, MONDO:0013470, OMIM 613863.

Allele frequency attached by ClinVar (database versions not stated): 1000 Genomes Project 30x 0.34916; 1000 Genomes Project 0.35443; gnomAD exomes 0.36727 and 0.38675; TOPMed 0.37190; ExAC 0.37304; gnomAD 0.38234 and 0.38348; ESP Exome Variant Server 0.38657.
gnomAD v4.1: 619,832 of 1,606,194 alleles (39%); highest among the groups gnomAD compares: Non-Finnish European, 40%; 121,474 homozygotes.

Submissions (17):

Labcorp Genetics (formerly Invitae), Labcorp
Classification: Benign for Neuropathy, hereditary sensory and autonomic, type 2A; Generalized epilepsy with febrile seizures plus, type 7. Last evaluated: 2026-02-04. Review status: criteria provided, single submitter. Criteria: Invitae Variant Classification Sherloc (09022015). Collection method: clinical testing. Allele origin: germline.

Blueprint Genetics
Classification: Likely benign. Last evaluated: 2024-11-26. Review status: criteria provided, single submitter. Criteria: ACMG Guidelines, 2015. Collection method: clinical testing. Allele origin: germline.

Unidad de Genómica Garrahan, Hospital de Pediatría Garrahan
Classification: Benign. Last evaluated: 2024-07-15. Review status: criteria provided, single submitter. Criteria: ACMG Guidelines, 2015. Collection method: clinical testing. Allele origin: germline. Affected: no. Observed: 39 variant alleles.
Comment: This variant is classified as Benign based on local population frequency. This variant was detected in 42% of patients studied in a panel designed for Epileptic and Developmental Encephalopathy and Progressive Myoclonus Epilepsy. Number of patients: 39. Only high quality variants are reported.

Genome-Nilou Lab
Classification: Benign for Primary erythromelalgia. Last evaluated: 2021-07-15. Review status: criteria provided, single submitter. Criteria: ACMG Guidelines, 2015. Collection method: clinical testing. Allele origin: germline. Affected: no.

Genome-Nilou Lab
Classification: Benign for Channelopathy-associated congenital insensitivity to pain, autosomal recessive. Last evaluated: 2021-07-15. Review status: criteria provided, single submitter. Criteria: ACMG Guidelines, 2015. Collection method: clinical testing. Allele origin: germline. Affected: no.

Genome-Nilou Lab
Classification: Benign for Paroxysmal extreme pain disorder. Last evaluated: 2021-07-15. Review status: criteria provided, single submitter. Criteria: ACMG Guidelines, 2015. Collection method: clinical testing. Allele origin: germline. Affected: no.

Athena Diagnostics
Classification: Benign. Last evaluated: 2018-05-07. Review status: criteria provided, single submitter. Criteria: Athena Diagnostics Criteria. Collection method: clinical testing. Allele origin: germline.

Illumina Laboratory Services, Illumina
Classification: Benign for Paroxysmal extreme pain disorder. Last evaluated: 2018-01-12. Review status: criteria provided, single submitter. Criteria: ICSL Variant Classification Criteria 13 December 2019. Collection method: clinical testing. Allele origin: germline.
Comment: This variant was observed in the ICSL laboratory as part of a predisposition screen in an ostensibly healthy population. It had not been previously curated by ICSL or reported in the Human Gene Mutation Database (HGMD: prior to June 1st, 2018), and was therefore a candidate for classification through an automated scoring system. Utilizing variant allele frequency, disease prevalence and penetrance estimates, and inheritance mode, an automated score was calculated to assess if this variant is too frequent to cause the disease. Based on the score and internal cut-off values, a variant classified as benign is not then subjected to further curation. The score for this variant resulted in a classification of benign for this disease.

Illumina Laboratory Services, Illumina
Classification: Benign for Channelopathy-associated congenital insensitivity to pain, autosomal recessive. Last evaluated: 2018-01-12. Review status: criteria provided, single submitter. Criteria: ICSL Variant Classification Criteria 13 December 2019. Collection method: clinical testing. Allele origin: germline.
Comment: the same text as in the submission from Illumina Laboratory Services, Illumina above.

Illumina Laboratory Services, Illumina
Classification: Benign for Primary erythromelalgia. Last evaluated: 2018-01-12. Review status: criteria provided, single submitter. Criteria: ICSL Variant Classification Criteria 13 December 2019. Collection method: clinical testing. Allele origin: germline.
Comment: the same text as in the submission from Illumina Laboratory Services, Illumina above.

Mayo Clinic Laboratories, Mayo Clinic
Classification: Benign. Last evaluated: 2015-08-27. Review status: criteria provided, single submitter. Criteria: ACMG Guidelines, 2015. Collection method: clinical testing. Allele origin: germline. Observed: 1,217 variant alleles.

GeneDx
Classification: Benign. Last evaluated: 2015-03-03. Review status: criteria provided, single submitter. Criteria: GeneDx Variant Classification Process June 2021. Collection method: clinical testing. Allele origin: germline. Affected: yes.

Eurofins Ntd Llc (ga)
Classification: Benign. Last evaluated: 2015-02-24. Review status: criteria provided, single submitter. Criteria: EGL Classification Definitions 2015. Collection method: clinical testing. Allele origin: germline. Observed: 1 variant allele, 1 homozygote.

Breakthrough Genomics
Classification: Benign. Review status: criteria provided, single submitter. Criteria: ACMG Guidelines, 2015. Collection method: not provided. Allele origin: germline. Inheritance: Autosomal recessive inheritance. Affected: yes.

PreventionGenetics, part of Exact Sciences
Classification: Benign. Review status: criteria provided, single submitter. Criteria: ACMG Guidelines, 2015. Collection method: clinical testing. Allele origin: germline.

Diagnostic Laboratory, Department of Genetics, University Medical Center Groningen
Classification: Benign. Review status: no assertion criteria provided. Collection method: clinical testing. Allele origin: germline. Affected: yes. Study: VKGL Data-share Consensus. Not counted in ClinVar's aggregate classification.

Genetic Services Laboratory, University of Chicago
Classification: Likely benign for AllHighlyPenetrant. Review status: no assertion criteria provided. Collection method: clinical testing. Allele origin: germline. Inheritance: Autosomal dominant inheritance. Not counted in ClinVar's aggregate classification.
Comment: Likely benign based on allele frequency in 1000 Genomes Project or ESP global frequency and its presence in a patient with a rare or unrelated disease phenotype. NOT Sanger confirmed.